The following is an entry in ClinVar:

ClinVar aggregate classification (germline): Uncertain significance (1 of 4 stars; one submission).

Conditions:
Cardiovascular phenotype. Identifiers: MedGen CN230736.
Hereditary cancer-predisposing syndrome. Also called: Neoplastic Syndromes, Hereditary; Tumor predisposition; Hereditary neoplastic syndrome; Hereditary Cancer Syndrome. Identifiers: Orphanet 140162, MedGen C0027672, MeSH D009386, MONDO:0015356.

Submission:

Ambry Genetics
Classification: Uncertain significance for Cardiovascular phenotype; Hereditary cancer-predisposing syndrome. Last evaluated: 2026-07-01. Review status: criteria provided, single submitter. Criteria: Ambry Variant Classification Scheme 2023. Collection method: clinical testing. Allele origin: germline.
Comment: The p.S348T variant (also known as c.1042T>A), located in coding exon 9 of the NF1 gene, results from a T to A substitution at nucleotide position 1042. The serine at codon 348 is replaced by threonine, an amino acid with similar properties. This amino acid position is conserved. In addition, this alteration is predicted to be tolerated by in silico analysis. Based on the available evidence, the clinical significance of this variant remains unclear.

NM_001042492.3(NF1):c.1042T>A (p.Ser348Thr)

Gene: NF1 (neurofibromin 1; plus strand). Cytogenetic location: 17q11.2.
Variant type: single nucleotide variant.
Coding change: c.1042T>A on transcript NM_001042492.3 (MANE Select); coding-DNA position 1042, T replaced by A.
Protein change: p.Ser348Thr; replaces serine 348 with threonine.
Molecular consequence: missense variant.
Genome position (GRCh38, 1-based): chr17:31,200,575, T>A. VCF-style: chr17-31200575-T-A. GRCh37 (hg19) VCF-style: chr17-29527593-T-A.
Other names: c.1042T>A, p.Ser348Thr (NM_000267.4, NM_001128147.3); short protein forms S348T.
Identifiers: ClinVar variation 5025548 (VCV005025548.1).
Genomic context (GRCh38, chr17:31,200,575, plus strand): 5'-TGTAAAGCAAGTACTTACATCAATTGGGAAGATAACTCTGTCATTTTCCTACTTGTTCAG[T>A]CCATGGTGGTTGATCTTAAGGTAACATGCTTATTCTTTCTCTACTACAAACTTTAAGAAA-3'
Protein context (NP_001035957.1, residues 338-358): DNSVIFLLVQ[Ser348Thr]MVVDLKNLLF